The following is an entry in ClinVar:

ClinVar aggregate classification (germline): Uncertain significance (1 of 4 stars; one submission).

Submission:

Labcorp Genetics (formerly Invitae), Labcorp
Classification: Uncertain significance. Last evaluated: 2020-01-21. Review status: criteria provided, single submitter. Criteria: Invitae Variant Classification Sherloc (09022015). Collection method: clinical testing. Allele origin: germline.
Comment: This sequence change replaces alanine with threonine at codon 180 of the MSH3 protein (p.Ala180Thr). The alanine residue is moderately conserved and there is a small physicochemical difference between alanine and threonine. This variant is not present in population databases (ExAC no frequency). In summary, the available evidence is currently insufficient to determine the role of this variant in disease. Therefore, it has been classified as a Variant of Uncertain Significance. Algorithms developed to predict the effect of missense changes on protein structure and function (SIFT, PolyPhen-2, Align-GVGD) all suggest that this variant is likely to be tolerated, but these predictions have not been confirmed by published functional studies and their clinical significance is uncertain. This variant has not been reported in the literature in individuals with MSH3-related conditions.

NM_002439.5(MSH3):c.538G>A (p.Ala180Thr)

Gene: MSH3 (mutS homolog 3; plus strand). Cytogenetic location: 5q14.1.
Variant type: single nucleotide variant.
Coding change: c.538G>A on transcript NM_002439.5 (MANE Select); coding-DNA position 538, G replaced by A.
Protein change: p.Ala180Thr; replaces alanine 180 with threonine.
Molecular consequence: missense variant.
Genome position (GRCh38, 1-based): chr5:80,665,322, G>A. VCF-style: chr5-80665322-G-A. GRCh37 (hg19) VCF-style: chr5-79961141-G-A.
Other names: short protein forms A180T.
Identifiers: ClinVar variation 1046888 (VCV001046888.9), dbSNP rs1749546022, ClinGen allele CA360264358.
Genomic context (GRCh38, chr5:80,665,322, plus strand): 5'-TTTGCAGTTCTGCCAAAATGTACTGATTTTGATGATATCAGTCTTCTACACGCAAAGAAT[G>A]CAGTTTCTTCTGAAGATTCGAAACGTCAAATTAATCAAAAGGTATGTAACTGCTATAGAT-3'
Protein context (NP_002430.3, residues 170-190): DDISLLHAKN[Ala180Thr]VSSEDSKRQI